The following is an entry in ClinVar:

NM_017617.5(NOTCH1):c.1067C>T (p.Ser356Phe)

Gene: NOTCH1 (notch receptor 1; minus strand). Cytogenetic location: 9q34.3.
Variant type: single nucleotide variant.
Coding change: c.1067C>T on transcript NM_017617.5 (MANE Select); coding-DNA position 1067, C replaced by T.
Protein change: p.Ser356Phe; replaces serine 356 with phenylalanine.
Molecular consequence: missense variant.
Genome position (GRCh38, 1-based): chr9:136,518,623, G>A on the plus strand (C>T on the coding strand, the complement: NOTCH1 is on the minus strand). VCF-style: chr9-136518623-G-A. GRCh37 (hg19) VCF-style: chr9-139413075-G-A.
Other names: short protein forms S356F.
Identifiers: ClinVar variation 847335 (VCV000847335.9), dbSNP rs1843316270, ClinGen allele CA375565299.

ClinVar aggregate classification (germline): Uncertain significance (1 of 4 stars; one submission).

Conditions:
Adams-Oliver syndrome 5 (AOS5). Identifiers: Orphanet 974, MedGen C4014970, MONDO:0014459, OMIM 616028.

Submission:

Labcorp Genetics (formerly Invitae), Labcorp
Classification: Uncertain significance for Adams-Oliver syndrome 5. Last evaluated: 2019-02-08. Review status: criteria provided, single submitter. Criteria: Invitae Variant Classification Sherloc (09022015). Collection method: clinical testing. Allele origin: germline.
Comment: This sequence change replaces serine with phenylalanine at codon 356 of the NOTCH1 protein (p.Ser356Phe). The serine residue is highly conserved and there is a large physicochemical difference between serine and phenylalanine. This variant is not present in population databases (ExAC no frequency). Algorithms developed to predict the effect of missense changes on protein structure and function (SIFT, PolyPhen-2, Align-GVGD) all suggest that this variant is likely to be disruptive, but these predictions have not been confirmed by published functional studies and their clinical significance is uncertain. This variant has not been reported in the literature in individuals with NOTCH1-related conditions. In summary, the available evidence is currently insufficient to determine the role of this variant in disease. Therefore, it has been classified as a Variant of Uncertain Significance.